The following is an entry in ClinVar:

ClinVar aggregate classification (germline): Uncertain significance (1 of 4 stars; one submission).

Submission:

Labcorp Genetics (formerly Invitae), Labcorp
Classification: Uncertain significance. Last evaluated: 2022-08-16. Review status: criteria provided, single submitter. Criteria: Invitae Variant Classification Sherloc (09022015). Collection method: clinical testing. Allele origin: germline.
Comment: In summary, the available evidence is currently insufficient to determine the role of this variant in disease. Therefore, it has been classified as a Variant of Uncertain Significance. Algorithms developed to predict the effect of missense changes on protein structure and function (SIFT, PolyPhen-2, Align-GVGD) all suggest that this variant is likely to be tolerated. This variant has not been reported in the literature in individuals affected with MBTPS2-related conditions. This variant is not present in population databases (gnomAD no frequency). This sequence change replaces lysine, which is basic and polar, with glutamic acid, which is acidic and polar, at codon 375 of the MBTPS2 protein (p.Lys375Glu).

NM_015884.4(MBTPS2):c.1123A>G (p.Lys375Glu)

Gene: MBTPS2 (membrane bound transcription factor peptidase, site 2; plus strand). Cytogenetic location: Xp22.12.
Variant type: single nucleotide variant.
Coding change: c.1123A>G on transcript NM_015884.4 (MANE Select); coding-DNA position 1123, A replaced by G.
Protein change: p.Lys375Glu; replaces lysine 375 with glutamic acid.
Molecular consequence: missense variant.
Genome position (GRCh38, 1-based): chrX:21,878,554, A>G. VCF-style: chrX-21878554-A-G. GRCh37 (hg19) VCF-style: chrX-21896672-A-G.
Other names: short protein forms K375E.
Identifiers: ClinVar variation 1716537 (VCV001716537.5), dbSNP rs2519588606, ClinGen allele CA412569550.